The following is an entry in ClinVar:

NM_000138.5(FBN1):c.786C>G (p.Cys262Trp)

Gene: FBN1 (fibrillin 1; minus strand). Cytogenetic location: 15q21.1.
Variant type: single nucleotide variant.
Coding change: c.786C>G on transcript NM_000138.5 (MANE Select); coding-DNA position 786, C replaced by G.
Protein change: p.Cys262Trp; replaces cysteine 262 with tryptophan.
Molecular consequence: missense variant.
Genome position (GRCh38, 1-based): chr15:48,534,156, G>C on the plus strand (C>G on the coding strand, the complement: FBN1 is on the minus strand). VCF-style: chr15-48534156-G-C. GRCh37 (hg19) VCF-style: chr15-48826353-G-C.
Other names: c.786C>G, p.Cys262Trp (NM_001406716.1, NM_001406717.1); short protein forms C262W.
Identifiers: ClinVar variation 3375811 (VCV003375811.1).

ClinVar aggregate classification (germline): Likely pathogenic (1 of 4 stars; one submission).

Submission:

GeneDx
Classification: Likely pathogenic. Last evaluated: 2024-05-07. Review status: criteria provided, single submitter. Criteria: GeneDx Variant Classification Process June 2021. Collection method: clinical testing. Allele origin: germline. Affected: yes.
Comment: Affects a cysteine residue within a calcium-binding EGF-like domain of the FBN1 gene, which may affect disulfide bonding and is predicted to alter the structure and function of the protein; cysteine substitutions in the calcium-binding EGF-like domains represent the majority of pathogenic missense changes associated with FBN1-related disorders (PMID: 12938084); Not observed at significant frequency in large population cohorts (gnomAD); In silico analysis supports that this missense variant has a deleterious effect on protein structure/function; Has not been previously published as pathogenic or benign to our knowledge; This variant is associated with the following publications: (PMID: 12938084)